The following is an entry in ClinVar:

ClinVar aggregate classification (germline): Benign/Likely benign. Review status: criteria provided, multiple submitters, no conflicts (2 of 4 stars). 6 submissions from 6 submitters: Benign (2); Likely benign (4). Last evaluated 2026-06-01.

Conditions:
Rubinstein-Taybi syndrome due to EP300 haploinsufficiency. Also called: EP300-Related Rubinstein-Taybi Syndrome; RUBINSTEIN-TAYBI SYNDROME 2. Identifiers: Orphanet 353284, Orphanet 783, MedGen C3150941, MONDO:0013364, OMIM 613684.

Allele frequency attached by ClinVar (database versions not stated): gnomAD exomes 0.00037; ExAC 0.00042; 1000 Genomes Project 30x 0.00094; 1000 Genomes Project 0.00120; gnomAD 0.00127 and 0.00138; ESP Exome Variant Server 0.00154; TOPMed 0.00172.
gnomAD v4.1: 465 of 1,575,552 alleles (0.03%); highest among the groups gnomAD compares: African/African-American, 0.53%; 2 homozygotes.

Submissions (6):

CeGaT Center for Human Genetics Tuebingen
Classification: Likely benign. Last evaluated: 2026-06-01. Review status: criteria provided, single submitter. Criteria: CeGaT Center For Human Genetics Tuebingen Variant Classification Criteria Version 2. Collection method: clinical testing. Allele origin: germline. Affected: yes. Observed: 7 variant alleles.
Comment: EP300: BS1

Labcorp Genetics (formerly Invitae), Labcorp
Classification: Benign for Rubinstein-Taybi syndrome due to EP300 haploinsufficiency. Last evaluated: 2026-01-26. Review status: criteria provided, single submitter. Criteria: Invitae Variant Classification Sherloc (09022015). Collection method: clinical testing. Allele origin: germline.

Blueprint Genetics
Classification: Likely benign. Last evaluated: 2024-11-26. Review status: criteria provided, single submitter. Criteria: ACMG Guidelines, 2015. Collection method: clinical testing. Allele origin: germline.

GeneDx
Classification: Benign. Last evaluated: 2020-07-20. Review status: criteria provided, single submitter. Criteria: GeneDx Variant Classification Process June 2021. Collection method: clinical testing. Allele origin: germline. Affected: yes.

Genetic Services Laboratory, University of Chicago
Classification: Likely benign. Last evaluated: 2014-05-12. Review status: criteria provided, single submitter. Criteria: ACMG Guidelines, 2015. Collection method: clinical testing. Allele origin: germline.

Breakthrough Genomics
Classification: Likely benign. Review status: criteria provided, single submitter. Criteria: ACMG Guidelines, 2015. Collection method: not provided. Allele origin: germline. Inheritance: Autosomal dominant inheritance. Affected: yes.

NM_001429.4(EP300):c.1878+9C>G

Gene: EP300 (EP300 lysine acetyltransferase; plus strand). Cytogenetic location: 22q13.2.
Variant type: single nucleotide variant.
Coding change: c.1878+9C>G on transcript NM_001429.4 (MANE Select); 9 bases into the intron after coding-DNA position 1878, C replaced by G.
Molecular consequence: intron variant.
Genome position (GRCh38, 1-based): chr22:41,140,266, C>G. VCF-style: chr22-41140266-C-G. GRCh37 (hg19) VCF-style: chr22-41536270-C-G.
Other names: c.1878+9C>G (NM_001362843.2).
Identifiers: ClinVar variation 210938 (VCV000210938.39), dbSNP rs186198699, ClinGen allele CA209055.